The following is an entry in ClinVar:

ClinVar aggregate classification (germline): Uncertain significance (1 of 4 stars; one submission).

Allele frequency attached by ClinVar (database versions not stated): gnomAD 0.00001; TOPMed 0.00001.
gnomAD v4.1: 7 of 1,610,728 alleles (0.00043%); highest among the groups gnomAD compares: South Asian, 0.0022%; no homozygotes.

Submission:

Labcorp Genetics (formerly Invitae), Labcorp
Classification: Uncertain significance. Last evaluated: 2020-01-06. Review status: criteria provided, single submitter. Criteria: Invitae Variant Classification Sherloc (09022015). Collection method: clinical testing. Allele origin: germline.
Comment: This sequence change replaces valine with leucine at codon 1839 of the OBSL1 protein (p.Val1839Leu). The valine residue is weakly conserved and there is a small physicochemical difference between valine and leucine. This variant is not present in population databases (ExAC no frequency). This variant has not been reported in the literature in individuals with OBSL1-related conditions. Algorithms developed to predict the effect of missense changes on protein structure and function are either unavailable or do not agree on the potential impact of this missense change (SIFT: "Tolerated"; PolyPhen-2: "Probably Damaging"; Align-GVGD: "Class C0"). In summary, the available evidence is currently insufficient to determine the role of this variant in disease. Therefore, it has been classified as a Variant of Uncertain Significance.

NM_015311.3(OBSL1):c.5515G>T (p.Val1839Leu)

Gene: OBSL1 (obscurin like cytoskeletal adaptor 1; minus strand). Cytogenetic location: 2q35.
Variant type: single nucleotide variant.
Coding change: c.5515G>T on transcript NM_015311.3 (MANE Select); coding-DNA position 5515, G replaced by T.
Protein change: p.Val1839Leu; replaces valine 1839 with leucine.
Molecular consequence: missense variant.
Genome position (GRCh38, 1-based): chr2:219,551,697, C>A on the plus strand (G>T on the coding strand, the complement: OBSL1 is on the minus strand). VCF-style: chr2-219551697-C-A. GRCh37 (hg19) VCF-style: chr2-220416419-C-A.
Other names: short protein forms V1839L.
Identifiers: ClinVar variation 840956 (VCV000840956.1), dbSNP rs762088079, ClinGen allele CA350716559.
Genomic context (GRCh38, chr2:219,551,697, plus strand): 5'-GGCTGCGCATCTCATACTTATCTCCCGGGCACAGCTCGGCCCCCTCCCGCAGCCAGCACA[C>A]GTGGCCCCCCGAGCGGGACACAGTCACCTCCAGCACCGCCCGGCGGCCCACCAGAACGGT-3'
Protein context (NP_056126.1, residues 1829-1849): EVTVSRSGGH[Val1839Leu]CWLREGAELC